The following is an entry in ClinVar:

NM_007194.4(CHEK2):c.341G>T (p.Trp114Leu)

Gene: CHEK2 (checkpoint kinase 2; minus strand). Cytogenetic location: 22q12.1.
Variant type: single nucleotide variant.
Coding change: c.341G>T on transcript NM_007194.4 (MANE Select); coding-DNA position 341, G replaced by T.
Protein change: p.Trp114Leu; replaces tryptophan 114 with leucine.
Molecular consequence: missense variant.
Genome position (GRCh38, 1-based): chr22:28,725,346, C>A on the plus strand (G>T on the coding strand, the complement: CHEK2 is on the minus strand). VCF-style: chr22-28725346-C-A. GRCh37 (hg19) VCF-style: chr22-29121334-C-A.
Other names: c.470G>T, p.Trp157Leu (NM_001005735.3); c.-437G>T (NM_001257387.3); c.341G>T, p.Trp114Leu (NM_001349956.3, NM_145862.3); short protein forms W157L, W114L.
Identifiers: ClinVar variation 937800 (VCV000937800.12), dbSNP rs1555927374, ClinGen allele CA411108221.

ClinVar aggregate classification (germline): Uncertain significance. Review status: criteria provided, multiple submitters, no conflicts (2 of 4 stars). 3 submissions from 3 submitters: Uncertain significance (3). Last evaluated 2025-08-31.

Conditions:
Hereditary cancer-predisposing syndrome. Also called: Tumor predisposition; Hereditary neoplastic syndrome; Hereditary Cancer Syndrome; Neoplastic Syndromes, Hereditary. Identifiers: Orphanet 140162, MedGen C0027672, MeSH D009386, MONDO:0015356.
Familial cancer of breast. Also called: BREAST CANCER, FAMILIAL; Hereditary breast cancer; hereditary breast carcinoma. Identifiers: Orphanet 227535, MedGen C0346153, MONDO:0016419, OMIM 114480. Disease mechanism: loss of function.

Allele frequency attached by ClinVar (database versions not stated): gnomAD exomes below 0.00001.
gnomAD v4.1: 1 of 1,614,094 alleles (0.000062%); no homozygotes.

Submissions (3):

Labcorp Genetics (formerly Invitae), Labcorp
Classification: Uncertain significance for Familial cancer of breast. Last evaluated: 2025-08-31. Review status: criteria provided, single submitter. Criteria: Invitae Variant Classification Sherloc (09022015). Collection method: clinical testing. Allele origin: germline.
Comment: This sequence change replaces tryptophan, which is neutral and slightly polar, with leucine, which is neutral and non-polar, at codon 114 of the CHEK2 protein (p.Trp114Leu). This variant is not present in population databases (gnomAD no frequency). This variant has not been reported in the literature in individuals affected with CHEK2-related conditions. ClinVar contains an entry for this variant (Variation ID: 937800). An algorithm developed to predict the effect of missense changes on protein structure and function (PolyPhen-2) suggests that this variant is likely to be tolerated. In summary, the available evidence is currently insufficient to determine the role of this variant in disease. Therefore, it has been classified as a Variant of Uncertain Significance.

GeneDx
Classification: Uncertain significance. Last evaluated: 2024-03-29. Review status: criteria provided, single submitter. Criteria: GeneDx Variant Classification Process June 2021. Collection method: clinical testing. Allele origin: germline. Affected: yes.
Comment: Published functional studies demonstrate wild type-like Chk2 auto-phosphorylation and intermediate impact on kinase activity against KAP1 (PMID: 37449874); Observed in 0/73048 breast cancer cases and in 1/88658 unaffected controls (PMID: 37449874); In silico analysis supports that this missense variant does not alter protein structure/function; Not observed at significant frequency in large population cohorts (gnomAD); This variant is associated with the following publications: (PMID: 37449874, 22419737, 19782031)

Ambry Genetics
Classification: Uncertain significance for Hereditary cancer-predisposing syndrome. Last evaluated: 2024-03-14. Review status: criteria provided, single submitter. Criteria: Ambry Variant Classification Scheme 2023. Collection method: clinical testing. Allele origin: germline.
Comment: The p.W114L variant (also known as c.341G>T), located in coding exon 2 of the CHEK2 gene, results from a G to T substitution at nucleotide position 341. The tryptophan at codon 114 is replaced by leucine, an amino acid with similar properties. This amino acid position is well conserved in available vertebrate species. In addition, the in silico prediction for this alteration is inconclusive. Based on the available evidence, the clinical significance of this alteration remains unclear.